The following is an entry in ClinVar:

ClinVar aggregate classification (germline): Uncertain significance. Review status: criteria provided, multiple submitters, no conflicts (2 of 4 stars). 2 submissions from 2 submitters: Uncertain significance (2). Last evaluated 2025-10-12.

Conditions:
Brugada syndrome. Also called: Sudden unexpected nocturnal death syndrome; Sudden Unexplained Death Syndrome; Sudden Unexplained Nocturnal Death Syndrome (SUNDS); Sudden unexplained nocturnal death syndrome. Identifiers: Orphanet 130, MedGen C1142166, MONDO:0015263.
Cardiovascular phenotype. Identifiers: MedGen CN230736.

gnomAD v4.1: 4 of 1,613,168 alleles (0.00025%); highest among the groups gnomAD compares: Non-Finnish European, 0.00025%; no homozygotes.

Submissions (2):

Labcorp Genetics (formerly Invitae), Labcorp
Classification: Uncertain significance for Brugada syndrome. Last evaluated: 2025-10-12. Review status: criteria provided, single submitter. Criteria: Invitae Variant Classification Sherloc (09022015). Collection method: clinical testing. Allele origin: germline.
Comment: This sequence change replaces alanine, which is neutral and non-polar, with valine, which is neutral and non-polar, at codon 321 of the CACNA2D1 protein (p.Ala321Val). This variant is present in population databases (no rsID available, gnomAD 0.01%). This variant has not been reported in the literature in individuals affected with CACNA2D1-related conditions. ClinVar contains an entry for this variant (Variation ID: 3719771). An algorithm developed to predict the effect of missense changes on protein structure and function (PolyPhen-2) suggests that this variant is likely to be disruptive. In summary, the available evidence is currently insufficient to determine the role of this variant in disease. Therefore, it has been classified as a Variant of Uncertain Significance.

Ambry Genetics
Classification: Uncertain significance for Cardiovascular phenotype. Last evaluated: 2024-12-31. Review status: criteria provided, single submitter. Criteria: Ambry Variant Classification Scheme 2023. Collection method: clinical testing. Allele origin: germline.
Comment: The p.A321V variant (also known as c.962C>T), located in coding exon 11 of the CACNA2D1 gene, results from a C to T substitution at nucleotide position 962. The alanine at codon 321 is replaced by valine, an amino acid with similar properties. This amino acid position is highly conserved in available vertebrate species. In addition, the in silico prediction for this alteration is inconclusive. The evidence for this gene-disease relationship is limited; therefore, the clinical significance of this alteration is unclear.

NM_000722.4(CACNA2D1):c.962C>T (p.Ala321Val)

Gene: CACNA2D1 (calcium voltage-gated channel auxiliary subunit alpha2delta 1; minus strand). Cytogenetic location: 7q21.11.
Variant type: single nucleotide variant.
Coding change: c.962C>T on transcript NM_000722.4 (MANE Select); coding-DNA position 962, C replaced by T.
Protein change: p.Ala321Val; replaces alanine 321 with valine.
Molecular consequence: missense variant.
Genome position (GRCh38, 1-based): chr7:82,038,153, G>A on the plus strand (C>T on the coding strand, the complement: CACNA2D1 is on the minus strand). VCF-style: chr7-82038153-G-A. GRCh37 (hg19) VCF-style: chr7-81667469-G-A.
Other names: c.962C>T, p.Ala321Val (NM_001366867.1); short protein forms A321V.
Identifiers: ClinVar variation 3719771 (VCV003719771.3).